The following is an entry in ClinVar:

ClinVar aggregate classification (germline): Likely benign. Review status: criteria provided, multiple submitters, no conflicts (2 of 4 stars). 3 submissions from 3 submitters: Likely benign (2). 1 of the submissions does not count toward it. Last evaluated 2025-11-22.

Conditions:
TSFM-related disorder. Also called: TSFM-related condition.

Allele frequency attached by ClinVar (database versions not stated): gnomAD 0.00001; TOPMed 0.00002; gnomAD exomes 0.00007; ExAC 0.00014.
gnomAD v4.1: 36 of 1,578,664 alleles (0.0023%); highest among the groups gnomAD compares: East Asian, 0.08%; no homozygotes.

Submissions (3):

Labcorp Genetics (formerly Invitae), Labcorp
Classification: Likely benign. Last evaluated: 2025-11-22. Review status: criteria provided, single submitter. Criteria: Invitae Variant Classification Sherloc (09022015). Collection method: clinical testing. Allele origin: germline.

Blueprint Genetics
Classification: Likely benign. Last evaluated: 2023-12-14. Review status: criteria provided, single submitter. Criteria: ACMG Guidelines, 2015. Collection method: clinical testing. Allele origin: germline.

PreventionGenetics, part of Exact Sciences
Classification: Likely benign for TSFM-related condition. Last evaluated: 2020-01-20. Review status: no assertion criteria provided. Collection method: clinical testing. Allele origin: germline. Not counted in ClinVar's aggregate classification.
Comment: This variant is classified as likely benign based on ACMG/AMP sequence variant interpretation guidelines (Richards et al. 2015 PMID: 25741868, with internal and published modifications).

NM_005726.6(TSFM):c.471T>G (p.Ser157=)

Gene: TSFM (Ts translation elongation factor, mitochondrial; plus strand). Cytogenetic location: 12q14.1.
Variant type: single nucleotide variant.
Coding change: c.471T>G on transcript NM_005726.6 (MANE Select); coding-DNA position 471, T replaced by G.
Protein change: p.Ser157=; no amino-acid change (serine 157 retained).
Molecular consequence: synonymous variant.
Genome position (GRCh38, 1-based): chr12:57,787,150, T>G. VCF-style: chr12-57787150-T-G. GRCh37 (hg19) VCF-style: chr12-58180933-T-G.
Other names: c.471T>G, p.Ser157= (NM_001172695.2, NM_001172696.2, NM_001172697.2); c.471T>G (NM_001172696.1).
Identifiers: ClinVar variation 1094414 (VCV001094414.12), dbSNP rs754595630, ClinGen allele CA6659354.